The following is an entry in ClinVar:

ClinVar aggregate classification (germline): Uncertain significance (1 of 4 stars; one submission).

Allele frequency attached by ClinVar (database versions not stated): gnomAD exomes below 0.00001; TOPMed below 0.00001; gnomAD 0.00001.
gnomAD v4.1: 4 of 1,614,126 alleles (0.00025%); highest among the groups gnomAD compares: Non-Finnish European, 0.00034%; no homozygotes.

Submission:

Labcorp Genetics (formerly Invitae), Labcorp
Classification: Uncertain significance. Last evaluated: 2022-07-05. Review status: criteria provided, single submitter. Criteria: Invitae Variant Classification Sherloc (09022015). Collection method: clinical testing. Allele origin: germline.
Comment: This sequence change replaces asparagine, which is neutral and polar, with serine, which is neutral and polar, at codon 482 of the SNRNP200 protein (p.Asn482Ser). In summary, the available evidence is currently insufficient to determine the role of this variant in disease. Therefore, it has been classified as a Variant of Uncertain Significance. Algorithms developed to predict the effect of missense changes on protein structure and function are either unavailable or do not agree on the potential impact of this missense change (SIFT: "Deleterious"; PolyPhen-2: "Probably Damaging"; Align-GVGD: "Class C0"). ClinVar contains an entry for this variant (Variation ID: 1358921). This variant has not been reported in the literature in individuals affected with SNRNP200-related conditions. This variant is present in population databases (no rsID available, gnomAD 0.007%).

NM_014014.5(SNRNP200):c.1445A>G (p.Asn482Ser)

Gene: SNRNP200 (small nuclear ribonucleoprotein U5 subunit 200; minus strand). Cytogenetic location: 2q11.2.
Variant type: single nucleotide variant.
Coding change: c.1445A>G on transcript NM_014014.5 (MANE Select); coding-DNA position 1445, A replaced by G.
Protein change: p.Asn482Ser; replaces asparagine 482 with serine.
Molecular consequence: missense variant.
Genome position (GRCh38, 1-based): chr2:96,297,003, T>C on the plus strand (A>G on the coding strand, the complement: SNRNP200 is on the minus strand). VCF-style: chr2-96297003-T-C. GRCh37 (hg19) VCF-style: chr2-96962741-T-C.
Other names: short protein forms N482S.
Identifiers: ClinVar variation 1358921 (VCV001358921.6), dbSNP rs1444080629, ClinGen allele CA347682741.